The following is an entry in ClinVar:

ClinVar aggregate classification (germline): Uncertain significance. Review status: criteria provided, multiple submitters, no conflicts (2 of 4 stars). 2 submissions from 2 submitters: Uncertain significance (2). Last evaluated 2025-10-23.

Conditions:
EGFR-related lung cancer (EGFR). Identifiers: MedGen CN130014.
Hereditary cancer-predisposing syndrome. Also called: Hereditary Cancer Syndrome; Tumor predisposition; Hereditary neoplastic syndrome; Neoplastic Syndromes, Hereditary. Identifiers: Orphanet 140162, MedGen C0027672, MeSH D009386, MONDO:0015356.

Allele frequency attached by ClinVar (database versions not stated): ExAC 0.00001; gnomAD exomes 0.00001.
gnomAD v4.1: 4 of 1,614,246 alleles (0.00025%); highest among the groups gnomAD compares: South Asian, 0.0033%; no homozygotes.

Submissions (2):

Ambry Genetics
Classification: Uncertain significance for Hereditary cancer-predisposing syndrome. Last evaluated: 2025-10-23. Review status: criteria provided, single submitter. Criteria: Ambry Variant Classification Scheme 2023. Collection method: clinical testing. Allele origin: germline.
Comment: The p.G544S variant (also known as c.1630G>A), located in coding exon 13 of the EGFR gene, results from a G to A substitution at nucleotide position 1630. The glycine at codon 544 is replaced by serine, an amino acid with similar properties. This amino acid position is conserved. In addition, the in silico prediction for this alteration is inconclusive. Based on the available evidence, the clinical significance of this variant remains unclear.

Labcorp Genetics (formerly Invitae), Labcorp
Classification: Uncertain significance for EGFR-related lung cancer. Last evaluated: 2025-03-19. Review status: criteria provided, single submitter. Criteria: Invitae Variant Classification Sherloc (09022015). Collection method: clinical testing. Allele origin: germline.
Comment: This sequence change replaces glycine, which is neutral and non-polar, with serine, which is neutral and polar, at codon 544 of the EGFR protein (p.Gly544Ser). This variant is present in population databases (rs755584255, gnomAD 0.01%). This variant has not been reported in the literature in individuals affected with EGFR-related conditions. ClinVar contains an entry for this variant (Variation ID: 1055568). An algorithm developed to predict the effect of missense changes on protein structure and function (PolyPhen-2) suggests that this variant is likely to be disruptive. In summary, the available evidence is currently insufficient to determine the role of this variant in disease. Therefore, it has been classified as a Variant of Uncertain Significance.

NM_005228.5(EGFR):c.1630G>A (p.Gly544Ser)

Gene: EGFR (epidermal growth factor receptor; plus strand). Cytogenetic location: 7p11.2.
Variant type: single nucleotide variant.
Coding change: c.1630G>A on transcript NM_005228.5 (MANE Select); coding-DNA position 1630, G replaced by A.
Protein change: p.Gly544Ser; replaces glycine 544 with serine.
Molecular consequence: missense variant.
Genome position (GRCh38, 1-based): chr7:55,161,630, G>A. VCF-style: chr7-55161630-G-A. GRCh37 (hg19) VCF-style: chr7-55229323-G-A.
Other names: c.1630G>A (NM_005228.3); c.1495G>A, p.Gly499Ser (NM_001346897.2, NM_001346899.2); c.1630G>A, p.Gly544Ser (NM_001346898.2, NM_201282.2, NM_201284.2); c.1471G>A, p.Gly491Ser (NM_001346900.2); c.829G>A, p.Gly277Ser (NM_001346941.2); short protein forms G277S, G491S, G499S, G544S.
Identifiers: ClinVar variation 1055568 (VCV001055568.10), dbSNP rs755584255, ClinGen allele CA4265627.